The following is an entry in ClinVar:

ClinVar aggregate classification (germline): Benign. Review status: criteria provided, multiple submitters, no conflicts (2 of 4 stars). 4 submissions from 4 submitters: Benign (3). 1 of the submissions does not count toward it. Last evaluated 2021-08-19.

Conditions:
Pachyonychia congenita 3 (PC3). Also called: KRT6A-Related Pachyonychia Congenita; PC-K6a. Identifiers: Orphanet 2309, MedGen C3714948, MONDO:0014324, OMIM 615726.
KRT6A-related disorder. Also called: KRT6A-related condition.

Allele frequency attached by ClinVar (database versions not stated): 1000 Genomes Project 0.44908; gnomAD 0.47156 and 0.46623; 1000 Genomes Project 30x 0.44347; ExAC 0.53028; ESP Exome Variant Server 0.45264; TOPMed 0.46771.
gnomAD v4.1: 895,238 of 1,613,506 alleles (55%); highest among the groups gnomAD compares: East Asian, 68%; 255,800 homozygotes.

Submissions (4):

Genome-Nilou Lab
Classification: Benign for Pachyonychia congenita 3. Last evaluated: 2021-08-19. Review status: criteria provided, single submitter. Criteria: ACMG Guidelines, 2015. Collection method: clinical testing. Allele origin: germline. Affected: no.

GeneDx
Classification: Benign. Last evaluated: 2015-03-03. Review status: criteria provided, single submitter. Criteria: GeneDx Variant Classification Process June 2021. Collection method: clinical testing. Allele origin: germline. Affected: yes.

Breakthrough Genomics
Classification: Benign. Review status: criteria provided, single submitter. Criteria: ACMG Guidelines, 2015. Collection method: not provided. Allele origin: germline. Inheritance: Autosomal dominant inheritance. Affected: yes.

PreventionGenetics, part of Exact Sciences
Classification: Benign for KRT6A-related condition. Last evaluated: 2019-09-24. Review status: no assertion criteria provided. Collection method: clinical testing. Allele origin: germline. Not counted in ClinVar's aggregate classification.
Comment: This variant is classified as benign based on ACMG/AMP sequence variant interpretation guidelines (Richards et al. 2015 PMID: 25741868, with internal and published modifications).

NM_005554.4(KRT6A):c.483T>C (p.Ala161=)

Gene: KRT6A (keratin 6A; minus strand). Cytogenetic location: 12q13.13.
Variant type: single nucleotide variant.
Coding change: c.483T>C on transcript NM_005554.4 (MANE Select); coding-DNA position 483, T replaced by C.
Protein change: p.Ala161=; no amino-acid change (alanine 161 retained).
Molecular consequence: synonymous variant.
Genome position (GRCh38, 1-based): chr12:52,492,706, A>G on the plus strand (T>C on the coding strand, the complement: KRT6A is on the minus strand). VCF-style: chr12-52492706-A-G. GRCh37 (hg19) VCF-style: chr12-52886490-A-G.
Identifiers: ClinVar variation 1233095 (VCV001233095.8), dbSNP rs711317, ClinGen allele CA6582250.